The following is an entry in ClinVar:

ClinVar aggregate classification (germline): Uncertain significance (1 of 4 stars; one submission).

Conditions:
Long QT syndrome (LQTS). Identifiers: MedGen C0023976, MeSH D008133, MONDO:0002442. Disease mechanism: loss of function. Inheritance: Various modes of inheritance.

Submission:

Labcorp Genetics (formerly Invitae), Labcorp
Classification: Uncertain significance for Long QT syndrome. Last evaluated: 2022-03-08. Review status: criteria provided, single submitter. Criteria: Invitae Variant Classification Sherloc (09022015). Collection method: clinical testing. Allele origin: germline.
Comment: In summary, the available evidence is currently insufficient to determine the role of this variant in disease. Therefore, it has been classified as a Variant of Uncertain Significance. Experimental studies and prediction algorithms are not available or were not evaluated, and the functional significance of this variant is currently unknown. This variant has not been reported in the literature in individuals affected with AKAP9-related conditions. This variant is a gross deletion of the genomic region encompassing exon(s) 6-7 of the AKAP9 gene. This variant would be expected to be in-frame, preserving the integrity of the reading frame.

NC_000007.14:g.(?_91994611)_(91995810_?)del

Gene: AKAP9 (A-kinase anchoring protein 9; plus strand). Cytogenetic location: 7q21.2.
Variant type: Deletion.
Identifiers: ClinVar variation 833479 (VCV000833479.6).